The following is an entry in ClinVar:

ClinVar aggregate classification (germline): Uncertain significance (1 of 4 stars; one submission).

Conditions:
Polycystic kidney disease, adult type (PKD1). Also called: Polycystic Kidney Disease 1, Autosomal Dominant; Polycystic kidney disease 1; Polycystic kidney disease 1, severe; POLYCYSTIC KIDNEY DISEASE, ADULT, TYPE I; Polycystic Kidney, Autosomal Dominant; POLYCYSTIC KIDNEY DISEASE 1 WITH OR WITHOUT POLYCYSTIC LIVER DISEASE. Identifiers: MedGen C3149841, MONDO:0008263, OMIM 173900.

Submission:

MVZ Medizinische Genetik Mainz
Classification: Uncertain significance for Polycystic kidney disease, adult type. Last evaluated: 2024-06-18. Review status: criteria provided, single submitter. Criteria: UK Practice Guidelines For Variant Classification V4 01 2020. Collection method: clinical testing. Allele origin: germline. Inheritance: Autosomal dominant inheritance. Affected: yes. Observed: 1 variant allele.
Comment: ACMG Criteria: PM4,PM2_SUP,PP3,PP4

NM_001009944.3(PKD1):c.7679_7690del (p.Gly2560_Val2563del)

Gene: PKD1 (polycystin 1, transient receptor potential channel interacting; minus strand). Cytogenetic location: 16p13.3.
Variant type: Deletion.
Coding change: c.7679_7690del on transcript NM_001009944.3 (MANE Select); coding-DNA positions 7679 to 7690, 12 bases deleted (GAGCCGCTGTGG).
Protein change: p.Gly2560_Val2563del.
Molecular consequence: inframe deletion.
Genome position (GRCh38, 1-based): chr16:2,106,104-2,106,115, CCACAGCGGCTC deleted on the plus strand (GAGCCGCTGTGG on the coding strand, the reverse complement: PKD1 is on the minus strand); deleting any 12 consecutive bases within chr16:2,106,104-2,106,118 gives the same sequence; the c. name uses the placement nearest the transcript's 3' end. VCF-style (leftmost placement, unchanged base first): chr16-2106103-ACCACAGCGGCTC-A. GRCh37 (hg19) VCF-style: chr16-2156104-ACCACAGCGGCTC-A.
Other names: c.7679_7690del, p.Gly2560_Val2563del (NM_000296.4).
Identifiers: ClinVar variation 3256709 (VCV003256709.1).